The following is an entry in ClinVar:

NM_000138.5(FBN1):c.7490A>C (p.Gln2497Pro)

Gene: FBN1 (fibrillin 1; minus strand). Cytogenetic location: 15q21.1.
Variant type: single nucleotide variant.
Coding change: c.7490A>C on transcript NM_000138.5 (MANE Select); coding-DNA position 7490, A replaced by C.
Protein change: p.Gln2497Pro; replaces glutamine 2497 with proline.
Molecular consequence: missense variant.
Genome position (GRCh38, 1-based): chr15:48,422,032, T>G on the plus strand (A>C on the coding strand, the complement: FBN1 is on the minus strand). VCF-style: chr15-48422032-T-G. GRCh37 (hg19) VCF-style: chr15-48714229-T-G.
Other names: short protein forms Q2497P.
Identifiers: ClinVar variation 942922 (VCV000942922.9), dbSNP rs2042947403, ClinGen allele CA392326060.

ClinVar aggregate classification (germline): Uncertain significance (1 of 4 stars; one submission).

Conditions:
Familial thoracic aortic aneurysm and aortic dissection (TAAD). Also called: Thoracic aortic aneurysms and dissections. Identifiers: Orphanet 91387, MedGen C4707243, MONDO:0019625.
Marfan syndrome (MFS). Also called: Marfan syndrome, classic; Marfan syndrome type 1; Marfan's syndrome; FBN1-Related Marfan Syndrome; MARFAN SYNDROME, TYPE I. Identifiers: Orphanet 284963, Orphanet 558, MedGen C0024796, MONDO:0007947, OMIM 154700.

Submission:

Labcorp Genetics (formerly Invitae), Labcorp
Classification: Uncertain significance for Marfan syndrome; Familial thoracic aortic aneurysm and aortic dissection. Last evaluated: 2019-08-24. Review status: criteria provided, single submitter. Criteria: Invitae Variant Classification Sherloc (09022015). Collection method: clinical testing. Allele origin: germline.
Comment: In summary, the available evidence is currently insufficient to determine the role of this variant in disease. Therefore, it has been classified as a Variant of Uncertain Significance. Algorithms developed to predict the effect of missense changes on protein structure and function are either unavailable or do not agree on the potential impact of this missense change (SIFT: "Deleterious"; PolyPhen-2: "Probably Damaging"; Align-GVGD: "Class C0"). This variant has not been reported in the literature in individuals with FBN1-related conditions. This variant is not present in population databases (ExAC no frequency). This sequence change replaces glutamine with proline at codon 2497 of the FBN1 protein (p.Gln2497Pro). The glutamine residue is highly conserved and there is a moderate physicochemical difference between glutamine and proline.